The following is an entry in ClinVar:

ClinVar aggregate classification (germline): Uncertain significance (1 of 4 stars; one submission).

Allele frequency attached by ClinVar (database versions not stated): gnomAD exomes below 0.00001; gnomAD 0.00005.

Submission:

Labcorp Genetics (formerly Invitae), Labcorp
Classification: Uncertain significance. Last evaluated: 2025-10-26. Review status: criteria provided, single submitter. Criteria: Invitae Variant Classification Sherloc (09022015). Collection method: clinical testing. Allele origin: germline.
Comment: This sequence change replaces valine, which is neutral and non-polar, with leucine, which is neutral and non-polar, at codon 164 of the PLTP protein (p.Val164Leu). This variant is present in population databases (no rsID available, gnomAD 0.02%). This variant has not been reported in the literature in individuals affected with PLTP-related conditions. ClinVar contains an entry for this variant (Variation ID: 1500998). An algorithm developed to predict the effect of missense changes on protein structure and function outputs the following: PolyPhen-2: "Benign". The leucine amino acid residue is found in multiple mammalian species, which suggests that this missense change does not adversely affect protein function. In summary, the available evidence is currently insufficient to determine the role of this variant in disease. Therefore, it has been classified as a Variant of Uncertain Significance.

NM_006227.4(PLTP):c.490G>T (p.Val164Leu)

Gene: PLTP (phospholipid transfer protein; minus strand). Cytogenetic location: 20q13.12.
Variant type: single nucleotide variant.
Coding change: c.490G>T on transcript NM_006227.4 (MANE Select); coding-DNA position 490, G replaced by T.
Protein change: p.Val164Leu; replaces valine 164 with leucine.
Molecular consequence: missense variant.
Genome position (GRCh38, 1-based): chr20:45,907,900, C>A on the plus strand (G>T on the coding strand, the complement: PLTP is on the minus strand). VCF-style: chr20-45907900-C-A. GRCh37 (hg19) VCF-style: chr20-44536539-C-A.
Other names: c.205G>T, p.Val69Leu (NM_001242920.2); c.226G>T, p.Val76Leu (NM_001242921.1); c.334G>T, p.Val112Leu (NM_182676.3); short protein forms V76L, V112L, V164L, V69L.
Identifiers: ClinVar variation 1500998 (VCV001500998.6), dbSNP rs1315617401, ClinGen allele CA409198694.
Genomic context (GRCh38, chr20:45,907,900, plus strand): 5'-CCTGCTGGTTGAGGAGGAAGCGCATCCCTGAGGTGATGAACGTGGAGAGAAAATCATACA[C>A]CTTCCTGTGAGGAGAGGAGAGGCCGGATGAGCCCAGAACCTGCCTCCACCCCAGTCCAGG-3'
Protein context (NP_006218.1, residues 154-174): HAAFGGTFKK[Val164Leu]YDFLSTFITS